The following is an entry in ClinVar:

ClinVar aggregate classification (germline): Uncertain significance (1 of 4 stars; one submission).

Submission:

Labcorp Genetics (formerly Invitae), Labcorp
Classification: Uncertain significance. Last evaluated: 2022-10-24. Review status: criteria provided, single submitter. Criteria: Invitae Variant Classification Sherloc (09022015). Collection method: clinical testing. Allele origin: germline.
Comment: In summary, the available evidence is currently insufficient to determine the role of this variant in disease. Therefore, it has been classified as a Variant of Uncertain Significance. Algorithms developed to predict the effect of missense changes on protein structure and function are either unavailable or do not agree on the potential impact of this missense change (SIFT: "Tolerated"; PolyPhen-2: "Probably Damaging"; Align-GVGD: "Class C0"). ClinVar contains an entry for this variant (Variation ID: 967928). This variant has not been reported in the literature in individuals affected with SPP2-related conditions. This variant is not present in population databases (gnomAD no frequency). This sequence change replaces arginine, which is basic and polar, with threonine, which is neutral and polar, at codon 187 of the SPP2 protein (p.Arg187Thr).

NM_006944.3(SPP2):c.560G>C (p.Arg187Thr)

Gene: SPP2 (secreted phosphoprotein 2; plus strand). Cytogenetic location: 2q37.1.
Variant type: single nucleotide variant.
Coding change: c.560G>C on transcript NM_006944.3 (MANE Select); coding-DNA position 560, G replaced by C.
Protein change: p.Arg187Thr; replaces arginine 187 with threonine.
Molecular consequence: missense variant.
Genome position (GRCh38, 1-based): chr2:234,069,937, G>C. VCF-style: chr2-234069937-G-C. GRCh37 (hg19) VCF-style: chr2-234978581-G-C.
Other names: short protein forms R187T.
Identifiers: ClinVar variation 967928 (VCV000967928.10), dbSNP rs1693900246, ClinGen allele CA351105958.
Genomic context (GRCh38, chr2:234,069,937, plus strand): 5'-TCAGATCTTGATGTGACTGACAGAGCCTATGCTTCCCTTTTCTATCTTTAGGGATCATGA[G>C]AAGGGTATTGCCTCCTGGAAACAGAAGGTACCCAAACCACCGGCACAGAGCAAGAATAAA-3'
Protein context (NP_008875.1, residues 177-197): QFYDRSLGIM[Arg187Thr]RVLPPGNRRY